The following is an entry in ClinVar:

NM_015559.3(SETBP1):c.55T>G (p.Phe19Val)

Gene: SETBP1 (SET binding protein 1; plus strand). Cytogenetic location: 18q12.3.
Variant type: single nucleotide variant.
Coding change: c.55T>G on transcript NM_015559.3 (MANE Select); coding-DNA position 55, T replaced by G.
Protein change: p.Phe19Val; replaces phenylalanine 19 with valine.
Molecular consequence: missense variant.
Genome position (GRCh38, 1-based): chr18:44,701,401, T>G. VCF-style: chr18-44701401-T-G. GRCh37 (hg19) VCF-style: chr18-42281366-T-G.
Other names: c.55T>G, p.Phe19Val (NM_001130110.2, NM_001379141.1, NM_001379142.1); short protein forms F19V.
Identifiers: ClinVar variation 1397601 (VCV001397601.6), dbSNP rs2144195481, ClinGen allele CA402481348.
Genomic context (GRCh38, chr18:44,701,401, plus strand): 5'-ATTGTCATGGAGTCCAGGGAAACCTTAAGCAGCTCCCGGCAAAGAGGGGGCGAGTCAGAC[T>G]TCCTGCCGGTCTCCTCAGCCAAGCCCCCAGCTGCTCCTGGCTGTGCAGGAGAACCTTTGC-3'
Protein context (NP_056374.2, residues 9-29): SSRQRGGESD[Phe19Val]LPVSSAKPPA

ClinVar aggregate classification (germline): Uncertain significance (1 of 4 stars; one submission).

Submission:

Labcorp Genetics (formerly Invitae), Labcorp
Classification: Uncertain significance. Last evaluated: 2021-09-10. Review status: criteria provided, single submitter. Criteria: Invitae Variant Classification Sherloc (09022015). Collection method: clinical testing. Allele origin: germline.
Comment: Algorithms developed to predict the effect of missense changes on protein structure and function are either unavailable or do not agree on the potential impact of this missense change (SIFT: "Deleterious"; PolyPhen-2: "Probably Damaging"; Align-GVGD: "Class C0"). In summary, the available evidence is currently insufficient to determine the role of this variant in disease. Therefore, it has been classified as a Variant of Uncertain Significance. This variant has not been reported in the literature in individuals affected with SETBP1-related conditions. This variant is not present in population databases (ExAC no frequency). This sequence change replaces phenylalanine with valine at codon 19 of the SETBP1 protein (p.Phe19Val). The phenylalanine residue is weakly conserved and there is a small physicochemical difference between phenylalanine and valine.